The following is an entry in ClinVar:

ClinVar aggregate classification (germline): Benign/Likely benign. Review status: criteria provided, multiple submitters, no conflicts (2 of 4 stars). 8 submissions from 8 submitters: Benign (7); Likely benign (1). Last evaluated 2026-02-03.

Conditions:
Amyotrophic neuralgia (HNA). Also called: Hereditary Brachial Plexus Neuropathy; Neuritis with Brachial Predilection; AMYOTROPHY, HEREDITARY NEURALGIC, WITH PREDILECTION FOR BRACHIAL PLEXUS; AMYOTROPHY, HEREDITARY NEURALGIC. Identifiers: Orphanet 2901, MedGen C1834304, MONDO:0008076, OMIM 162100.

Allele frequency attached by ClinVar (database versions not stated): 1000 Genomes Project 0.04972; 1000 Genomes Project 30x 0.05215; gnomAD 0.07939 and 0.08095; TOPMed 0.08127; ESP Exome Variant Server 0.08201; gnomAD exomes 0.08343 and 0.10272; ExAC 0.09283.
gnomAD v4.1: 161,874 of 1,610,262 alleles (10%); highest among the groups gnomAD compares: Middle Eastern, 13%; 9,038 homozygotes.

Submissions (8):

Labcorp Genetics (formerly Invitae), Labcorp
Classification: Benign. Last evaluated: 2026-02-03. Review status: criteria provided, single submitter. Criteria: Invitae Variant Classification Sherloc (09022015). Collection method: clinical testing. Allele origin: germline.

Blueprint Genetics
Classification: Likely benign. Last evaluated: 2024-11-27. Review status: criteria provided, single submitter. Criteria: ACMG Guidelines, 2015. Collection method: clinical testing. Allele origin: germline.

Genome-Nilou Lab
Classification: Benign for Amyotrophic neuralgia. Last evaluated: 2021-12-05. Review status: criteria provided, single submitter. Criteria: ACMG Guidelines, 2015. Collection method: clinical testing. Allele origin: germline. Affected: no.

GeneDx
Classification: Benign. Last evaluated: 2018-07-21. Review status: criteria provided, single submitter. Criteria: GeneDx Variant Classification Process June 2021. Collection method: clinical testing. Allele origin: germline. Affected: yes.

Illumina Laboratory Services, Illumina
Classification: Benign for Amyotrophy, hereditary neuralgic. Last evaluated: 2018-01-13. Review status: criteria provided, single submitter. Criteria: ICSL Variant Classification Criteria 13 December 2019. Collection method: clinical testing. Allele origin: germline.
Comment: This variant was observed in the ICSL laboratory as part of a predisposition screen in an ostensibly healthy population. It had not been previously curated by ICSL or reported in the Human Gene Mutation Database (HGMD: prior to June 1st, 2018), and was therefore a candidate for classification through an automated scoring system. Utilizing variant allele frequency, disease prevalence and penetrance estimates, and inheritance mode, an automated score was calculated to assess if this variant is too frequent to cause the disease. Based on the score and internal cut-off values, a variant classified as benign is not then subjected to further curation. The score for this variant resulted in a classification of benign for this disease.

Mayo Clinic Laboratories, Mayo Clinic
Classification: Benign. Last evaluated: 2017-08-25. Review status: criteria provided, single submitter. Criteria: ACMG Guidelines, 2015. Collection method: clinical testing. Allele origin: germline. Observed: 103 variant alleles.

Athena Diagnostics
Classification: Benign. Last evaluated: 2017-07-12. Review status: criteria provided, single submitter. Criteria: Athena Diagnostics Criteria. Collection method: clinical testing. Allele origin: germline.

Breakthrough Genomics
Classification: Benign. Review status: criteria provided, single submitter. Criteria: ACMG Guidelines, 2015. Collection method: not provided. Allele origin: germline. Inheritance: Autosomal dominant inheritance. Affected: yes.

NM_001113491.2(SEPTIN9):c.434C>T (p.Pro145Leu)

Gene: SEPTIN9 (septin 9; plus strand). Cytogenetic location: 17q25.3.
Variant type: single nucleotide variant.
Coding change: c.434C>T on transcript NM_001113491.2 (MANE Select); coding-DNA position 434, C replaced by T.
Protein change: p.Pro145Leu; replaces proline 145 with leucine.
Molecular consequence: missense variant. On other transcripts: 5 prime UTR variant (2).
Genome position (GRCh38, 1-based): chr17:77,402,416, C>T. VCF-style: chr17-77402416-C-T. GRCh37 (hg19) VCF-style: chr17-75398498-C-T.
Other names: p.Pro127Leu; c.-59C>T (NM_001113492.2, NM_001113494.1); c.413C>T, p.Pro138Leu (NM_001113493.2); c.377C>T, p.Pro126Leu (NM_001293695.2); c.380C>T, p.Pro127Leu (NM_006640.5); short protein forms P127L, P145L, P126L, P138L.
Identifiers: ClinVar variation 325543 (VCV000325543.17), dbSNP rs34587622, ClinGen allele CA8793206.